The following is an entry in ClinVar:

ClinVar aggregate classification (germline): Uncertain significance. Review status: criteria provided, multiple submitters, no conflicts (2 of 4 stars). 3 submissions from 3 submitters: Uncertain significance (3). Last evaluated 2021-09-20.

Conditions:
Early-onset myopathy with fatal cardiomyopathy (CMYO5). Also called: CONGENITAL MYOPATHY 5 WITH CARDIOMYOPATHY; Salih Myopathy. Identifiers: Orphanet 289377, MedGen C2673677, MONDO:0012714, OMIM 611705. Disease mechanism: loss of function.
Autosomal recessive limb-girdle muscular dystrophy type 2J (LGMDR10). Also called: MUSCULAR DYSTROPHY, LIMB-GIRDLE, AUTOSOMAL RECESSIVE 10; Limb-girdle muscular dystrophy, type 2J. Identifiers: Orphanet 140922, MedGen C1837342, MONDO:0012127, OMIM 608807.
Dilated cardiomyopathy 1G (CMD1G). Identifiers: Orphanet 154, MedGen C1858763, MONDO:0011400, OMIM 604145.
Myopathy, myofibrillar, 9, with early respiratory failure (MFM9). Also called: EDSTROM MYOPATHY; Hereditary myopathy with early respiratory failure; MYOPATHY, PROXIMAL, WITH EARLY RESPIRATORY MUSCLE INVOLVEMENT; Myopathy, distal, with early respiratory failure, autosomal dominant. Identifiers: Orphanet 178464, Orphanet 34521, MedGen C1863599, MONDO:0011362, OMIM 603689.
Tibial muscular dystrophy (TMD). Also called: Tibial muscular dystrophy, tardive; Udd Distal Myopathy – Tibial Muscular Dystrophy; UDD MYOPATHY. Identifiers: Orphanet 609, MedGen C1838244, MONDO:0010870, OMIM 600334.
Hypertrophic cardiomyopathy 9. Also called: Familial hypertrophic cardiomyopathy 9. Identifiers: MedGen C1861065, MONDO:0013412, OMIM 613765.

gnomAD v4.1: 1 of 1,613,714 alleles (0.000062%); highest among the groups gnomAD compares: Non-Finnish European, 0.000085%; no homozygotes.

Submissions (3):

Fulgent Genetics
Classification: Uncertain significance for Tibial muscular dystrophy; Myopathy, myofibrillar, 9, with early respiratory failure; Dilated cardiomyopathy 1G; Autosomal recessive limb-girdle muscular dystrophy type 2J; Early-onset myopathy with fatal cardiomyopathy; Hypertrophic cardiomyopathy 9. Last evaluated: 2021-09-20. Review status: criteria provided, single submitter. Criteria: ACMG Guidelines, 2015. Collection method: clinical testing. Allele origin: unknown.

Blueprint Genetics
Classification: Uncertain significance. Last evaluated: 2020-02-26. Review status: criteria provided, single submitter. Criteria: ACMG Guidelines, 2015. Collection method: clinical testing. Allele origin: germline.

GeneDx
Classification: Uncertain significance. Last evaluated: 2015-09-22. Review status: criteria provided, single submitter. Criteria: GeneDx Variant Classification (06012015). Collection method: clinical testing. Allele origin: germline. Affected: yes.
Comment: Missense variants in the TTN gene are considered 'unclassified' if they are not previously reported in the literature and do not have >1% frequency in the population to be considered a polymorphism. Research indicates that truncating mutations in the TTN gene are expected to account for approximately 25% of familial and 18% of sporadic idiopathic DCM; however, truncating variants in the TTN gene have been reported in approximately 3% of reported control alleles. There has been little investigation into non-truncating variants. (Herman D et al. Truncations of titin causing dilated cardiomyopathy. N Eng J Med 366:619-628, 2012) The variant is found in CARDIOMYOPATHY panel(s).

NM_001267550.2(TTN):c.83165T>G (p.Ile27722Arg)

Genes: TTN-AS1 (TTN antisense RNA 1; plus strand), TTN (titin; minus strand). Cytogenetic location: 2q31.2.
Variant type: single nucleotide variant.
Coding change: c.83165T>G on transcript NM_001267550.2 (MANE Select); coding-DNA position 83165, T replaced by G.
Protein change: p.Ile27722Arg; replaces isoleucine 27722 with arginine.
Molecular consequence: missense variant.
Genome position (GRCh38, 1-based): chr2:178,562,967, A>C on the plus strand (T>G on the coding strand, the complement: TTN is on the minus strand). VCF-style: chr2-178562967-A-C. GRCh37 (hg19) VCF-style: chr2-179427694-A-C.
Other names: p.I26081R:ATA>AGA; c.78242T>G, p.Ile26081Arg (NM_001256850.1); c.55970T>G, p.Ile18657Arg (NM_003319.4); c.75461T>G, p.Ile25154Arg (NM_133378.4); c.56345T>G, p.Ile18782Arg (NM_133432.3); c.56546T>G, p.Ile18849Arg (NM_133437.4); short protein forms I26081R, I27722R, I18657R, I18782R, I18849R, I25154R.
Identifiers: ClinVar variation 202919 (VCV000202919.4), dbSNP rs794729515, ClinGen allele CA310689.